The following is an entry in ClinVar:

NM_053025.4(MYLK):c.2631G>A (p.Val877=)

Gene: MYLK (myosin light chain kinase; minus strand). Cytogenetic location: 3q21.1.
Variant type: single nucleotide variant.
Coding change: c.2631G>A on transcript NM_053025.4 (MANE Select); coding-DNA position 2631, G replaced by A.
Protein change: p.Val877=; no amino-acid change (valine 877 retained).
Molecular consequence: synonymous variant.
Genome position (GRCh38, 1-based): chr3:123,700,837, C>T on the plus strand (G>A on the coding strand, the complement: MYLK is on the minus strand). VCF-style: chr3-123700837-C-T. GRCh37 (hg19) VCF-style: chr3-123419684-C-T.
Other names: c.2103G>A, p.Val701= (NM_001321309.2); c.2424G>A, p.Val808= (NM_053026.4, NM_053028.4); c.2631G>A, p.Val877= (NM_053027.4).
Identifiers: ClinVar variation 520011 (VCV000520011.34), dbSNP rs371542306, ClinGen allele CA068815.

ClinVar aggregate classification (germline): Benign/Likely benign. Review status: criteria provided, multiple submitters, no conflicts (2 of 4 stars). 5 submissions from 5 submitters: Benign (1); Likely benign (4). Last evaluated 2026-01-27.

Conditions:
Familial thoracic aortic aneurysm and aortic dissection (TAAD). Also called: Thoracic aortic aneurysms and dissections. Identifiers: Orphanet 91387, MedGen C4707243, MONDO:0019625.
Aortic aneurysm, familial thoracic 7 (AAT7). Also called: AORTIC DISSECTION, FAMILIAL, WITH OR WITHOUT AORTIC ANEURYSM. Identifiers: MedGen C3151077, MONDO:0013418, OMIM 613780.

Allele frequency attached by ClinVar (database versions not stated): TOPMed 0.00003; gnomAD 0.00004; gnomAD exomes 0.00005 and 0.00007; ExAC 0.00007; ESP Exome Variant Server 0.00015.
gnomAD v4.1: 104 of 1,613,970 alleles (0.0064%); highest among the groups gnomAD compares: Non-Finnish European, 0.0086%; no homozygotes.

Submissions (5):

Labcorp Genetics (formerly Invitae), Labcorp
Classification: Likely benign for Aortic aneurysm, familial thoracic 7. Last evaluated: 2026-01-27. Review status: criteria provided, single submitter. Criteria: Invitae Variant Classification Sherloc (09022015). Collection method: clinical testing. Allele origin: germline.

Women's Health and Genetics/Laboratory Corporation of America, LabCorp
Classification: Benign. Last evaluated: 2025-09-05. Review status: criteria provided, single submitter. Criteria: LabCorp Variant Classification Summary - May 2015. Collection method: clinical testing. Allele origin: germline.

CeGaT Center for Human Genetics Tuebingen
Classification: Likely benign. Last evaluated: 2024-03-01. Review status: criteria provided, single submitter. Criteria: CeGaT Center For Human Genetics Tuebingen Variant Classification Criteria Version 2. Collection method: clinical testing. Allele origin: germline. Affected: yes. Observed: 1 variant allele.
Comment: MYLK: BP4

Phosphorus, Inc.
Classification: Likely benign. Last evaluated: 2022-01-19. Review status: criteria provided, single submitter. Criteria: ACMG Guidelines, 2015. Collection method: clinical testing. Allele origin: germline. Inheritance: Autosomal dominant inheritance.
Comment: This synonymous variant is located 169 bp from the canonical splice site in exon 18 out of 34 exons of the MYLK gene (transcript NM_053025.3). This variant has been reported in ClinVar (520011) NM_053025.4 (MYLK):c.2631G>A (p.Val877=) and occurred in GnomAD with a total MAF of 0.0049% and highest MAF of 0.0099% in the European population. This position is conserved. In silico splicing algorithms did not predict an impact on splicing, however no functional studies were performed to confirm this prediction. The variant has not occurred in the literature associated with the disease. In conclusion, the available evidence is sufficient to classify this variant as Likely Benign.

Ambry Genetics
Classification: Likely benign for Familial thoracic aortic aneurysm and aortic dissection. Last evaluated: 2017-05-30. Review status: criteria provided, single submitter. Criteria: Ambry Variant Classification Scheme 2023. Collection method: clinical testing. Allele origin: germline.